The following is an entry in ClinVar:

NM_006267.5(RANBP2):c.405+17T>G

Gene: RANBP2 (RAN binding protein 2; plus strand). Cytogenetic location: 2q13.
Variant type: single nucleotide variant.
Coding change: c.405+17T>G on transcript NM_006267.5 (MANE Select); 17 bases into the intron after coding-DNA position 405, T replaced by G.
Molecular consequence: intron variant.
Genome position (GRCh38, 1-based): chr2:108,731,491, T>G. VCF-style: chr2-108731491-T-G. GRCh37 (hg19) VCF-style: chr2-109347947-T-G.
Identifiers: ClinVar variation 380026 (VCV000380026.9), dbSNP rs826526, ClinGen allele CA1822021.
Genomic context (GRCh38, chr2:108,731,491, plus strand): 5'-CAGCCAAACTTTTCCCAGGAAGTCCTGCAATTTATAAACTAAAGGTAAACAAACAAAACA[T>G]AAAGGGAGAAAACTTAAGACATAACCATTTCTAATATTTGGAATTTAAATTACTTTTCAA-3'

ClinVar aggregate classification (germline): Benign. Review status: criteria provided, multiple submitters, no conflicts (2 of 4 stars). 3 submissions from 3 submitters: Benign (3). Last evaluated 2025-10-21.

Conditions:
Familial acute necrotizing encephalopathy (IIAE3). Also called: ENCEPHALOPATHY, ACUTE, INFECTION-INDUCED, SUSCEPTIBILITY TO, 3; Susceptibility to Acute Necrotizing Encephalopathy 1. Identifiers: Orphanet 88619, MedGen C2675556, MONDO:0011953, OMIM 608033.

Allele frequency attached by ClinVar (database versions not stated): gnomAD exomes 0.25466 and 0.25620; ExAC 0.26981; gnomAD 0.36773 and 0.37500; TOPMed 0.38167; 1000 Genomes Project 0.38299; ESP Exome Variant Server 0.39144; 1000 Genomes Project 30x 0.39272.
gnomAD v4.1: 428,170 of 1,609,838 alleles (27%); highest among the groups gnomAD compares: African/African-American, 71%; 66,458 homozygotes.

Submissions (3):

Labcorp Genetics (formerly Invitae), Labcorp
Classification: Benign for Familial acute necrotizing encephalopathy. Last evaluated: 2025-10-21. Review status: criteria provided, single submitter. Criteria: Invitae Variant Classification Sherloc (09022015). Collection method: clinical testing. Allele origin: germline.

GeneDx
Classification: Benign. Last evaluated: 2016-01-05. Review status: criteria provided, single submitter. Criteria: GeneDx Variant Classification (06012015). Collection method: clinical testing. Allele origin: germline. Affected: yes.
Comment: This variant is considered likely benign or benign based on one or more of the following criteria: it is a conservative change, it occurs at a poorly conserved position in the protein, it is predicted to be benign by multiple in silico algorithms, and/or has population frequency not consistent with disease.

Breakthrough Genomics
Classification: Benign. Review status: criteria provided, single submitter. Criteria: ACMG Guidelines, 2015. Collection method: not provided. Allele origin: germline. Inheritance: Autosomal dominant inheritance. Affected: yes.